The following is an entry in ClinVar:

ClinVar aggregate classification (germline): Uncertain significance (1 of 4 stars; one submission).

gnomAD v4.1: 2 of 1,575,472 alleles (0.00013%); highest among the groups gnomAD compares: Non-Finnish European, 0.00017%; no homozygotes.

Submission:

CeGaT Center for Human Genetics Tuebingen
Classification: Uncertain significance. Last evaluated: 2026-02-01. Review status: criteria provided, single submitter. Criteria: CeGaT Center For Human Genetics Tuebingen Variant Classification Criteria Version 2. Collection method: clinical testing. Allele origin: germline. Affected: yes. Observed: 1 variant allele.
Comment: CHD7: PM2:Supporting

NM_017780.4(CHD7):c.2416A>G (p.Met806Val)

Gene: CHD7 (chromodomain helicase DNA binding protein 7; plus strand). Cytogenetic location: 8q12.2.
Variant type: single nucleotide variant.
Coding change: c.2416A>G on transcript NM_017780.4 (MANE Select); coding-DNA position 2416, A replaced by G.
Protein change: p.Met806Val; replaces methionine 806 with valine.
Molecular consequence: missense variant. On other transcripts: intron variant (1).
Genome position (GRCh38, 1-based): chr8:60,801,567, A>G. VCF-style: chr8-60801567-A-G. GRCh37 (hg19) VCF-style: chr8-61714126-A-G.
Other names: c.1716+20517A>G (NM_001316690.1); short protein forms M806V.
Identifiers: ClinVar variation 4823320 (VCV004823320.4).